The following is an entry in ClinVar:

NM_003922.4(HERC1):c.7100C>T (p.Thr2367Ile)

Gene: HERC1 (HECT and RLD domain containing E3 ubiquitin protein ligase family member 1; minus strand). Cytogenetic location: 15q22.31.
Variant type: single nucleotide variant.
Coding change: c.7100C>T on transcript NM_003922.4 (MANE Select); coding-DNA position 7100, C replaced by T.
Protein change: p.Thr2367Ile; replaces threonine 2367 with isoleucine.
Molecular consequence: missense variant.
Genome position (GRCh38, 1-based): chr15:63,675,088, G>A on the plus strand (C>T on the coding strand, the complement: HERC1 is on the minus strand). VCF-style: chr15-63675088-G-A. GRCh37 (hg19) VCF-style: chr15-63967287-G-A.
Other names: short protein forms T2367I.
Identifiers: ClinVar variation 1502462 (VCV001502462.6), dbSNP rs1288087511, ClinGen allele CA392766271.

ClinVar aggregate classification (germline): Uncertain significance (1 of 4 stars; one submission).

Allele frequency attached by ClinVar (database versions not stated): TOPMed below 0.00001; gnomAD 0.00001.
gnomAD v4.1: 2 of 1,595,070 alleles (0.00013%); highest among the groups gnomAD compares: Admixed American, 0.0017%; no homozygotes.

Submission:

Labcorp Genetics (formerly Invitae), Labcorp
Classification: Uncertain significance. Last evaluated: 2022-03-08. Review status: criteria provided, single submitter. Criteria: Invitae Variant Classification Sherloc (09022015). Collection method: clinical testing. Allele origin: germline.
Comment: This sequence change replaces threonine, which is neutral and polar, with isoleucine, which is neutral and non-polar, at codon 2367 of the HERC1 protein (p.Thr2367Ile). This variant is not present in population databases (gnomAD no frequency). This variant has not been reported in the literature in individuals affected with HERC1-related conditions. Algorithms developed to predict the effect of missense changes on protein structure and function (SIFT, PolyPhen-2, Align-GVGD) all suggest that this variant is likely to be disruptive. In summary, the available evidence is currently insufficient to determine the role of this variant in disease. Therefore, it has been classified as a Variant of Uncertain Significance.